The following is an entry in ClinVar:

NM_022166.4(XYLT1):c.2519C>A (p.Ala840Glu)

Gene: XYLT1 (xylosyltransferase 1; minus strand). Cytogenetic location: 16p12.3.
Variant type: single nucleotide variant.
Coding change: c.2519C>A on transcript NM_022166.4 (MANE Select); coding-DNA position 2519, C replaced by A.
Protein change: p.Ala840Glu; replaces alanine 840 with glutamic acid.
Molecular consequence: missense variant.
Genome position (GRCh38, 1-based): chr16:17,117,684, G>T on the plus strand (C>A on the coding strand, the complement: XYLT1 is on the minus strand). VCF-style: chr16-17117684-G-T. GRCh37 (hg19) VCF-style: chr16-17211541-G-T.
Other names: short protein forms A840E.
Identifiers: ClinVar variation 1995680 (VCV001995680.4), dbSNP rs760991981, ClinGen allele CA395218218.
Genomic context (GRCh38, chr16:17,117,684, plus strand): 5'-CATAGACACTGGGAGTACTTACCAGGTTTGATGGGCTGCCTGTTCGAGAAGGTCAGAGGC[G>T]CAACGAGGAATTTGGTCTCTGCAACTGGCACCCAGTGGTGGAGAATTTTCACTGTCCAGA-3'
Protein context (NP_071449.1, residues 830-850): VPVAETKFLV[Ala840Glu]PLTFSNRQPI

ClinVar aggregate classification (germline): Uncertain significance (1 of 4 stars; one submission).

Conditions:
Desbuquois dysplasia 1 (DBQD1). Also called: MICROMELIC DWARFISM WITH VERTEBRAL AND METAPHYSEAL ABNORMALITIES AND ADVANCED CARPOTARSAL OSSIFICATION; DESBUQUOIS DYSPLASIA 1, KIM VARIANT. Identifiers: Orphanet 1425, MedGen C4012146, MONDO:0009629, OMIM 251450.

Submission:

Labcorp Genetics (formerly Invitae), Labcorp
Classification: Uncertain significance for Desbuquois dysplasia 1. Last evaluated: 2023-10-03. Review status: criteria provided, single submitter. Criteria: Invitae Variant Classification Sherloc (09022015). Collection method: clinical testing. Allele origin: germline.
Comment: This sequence change replaces alanine, which is neutral and non-polar, with glutamic acid, which is acidic and polar, at codon 840 of the XYLT1 protein (p.Ala840Glu). This variant is not present in population databases (gnomAD no frequency). This variant has not been reported in the literature in individuals affected with XYLT1-related conditions. ClinVar contains an entry for this variant (Variation ID: 1995680). Advanced modeling of protein sequence and biophysical properties (such as structural, functional, and spatial information, amino acid conservation, physicochemical variation, residue mobility, and thermodynamic stability) performed at Invitae indicates that this missense variant is not expected to disrupt XYLT1 protein function. In summary, the available evidence is currently insufficient to determine the role of this variant in disease. Therefore, it has been classified as a Variant of Uncertain Significance.